The following is an entry in ClinVar:

NM_001292063.2(OTOG):c.426G>A (p.Ala142=)

Gene: OTOG (otogelin; plus strand). Cytogenetic location: 11p15.1.
Variant type: single nucleotide variant.
Coding change: c.426G>A on transcript NM_001292063.2 (MANE Select); coding-DNA position 426, G replaced by A.
Protein change: p.Ala142=; no amino-acid change (alanine 142 retained).
Molecular consequence: synonymous variant.
Genome position (GRCh38, 1-based): chr11:17,553,405, G>A. VCF-style: chr11-17553405-G-A. GRCh37 (hg19) VCF-style: chr11-17574952-G-A.
Other names: c.462G>A, p.Ala154= (NM_001277269.2).
Identifiers: ClinVar variation 1207691 (VCV001207691.13), dbSNP rs548971081, ClinGen allele CA5905357.
Genomic context (GRCh38, chr11:17,553,405, plus strand): 5'-TTCTCTTTTCTCTCCCTCAGTGTACAATGCCGGCCCTGAGAGGGACAGCATTTGCCGGGC[G>A]TGGGGGCAGCACCACGTGGAGACATTTGATGGGCTCTACTACTACCTCTCCGGAAAGGGC-3'
Protein context (NP_001278992.1, residues 132-152): AGPERDSICR[Ala142=]WGQHHVETFD

ClinVar aggregate classification (germline): Benign/Likely benign. Review status: criteria provided, multiple submitters, no conflicts (2 of 4 stars). 4 submissions from 4 submitters: Benign (1); Likely benign (2). 1 of the submissions does not count toward it. Last evaluated 2025-02-09.

Conditions:
OTOG-related disorder. Also called: OTOG-related condition.

Allele frequency attached by ClinVar (database versions not stated): 1000 Genomes Project 0.00040; 1000 Genomes Project 30x 0.00062; gnomAD 0.00066; TOPMed 0.00077.
gnomAD v4.1: 240 of 1,468,198 alleles (0.016%); highest among the groups gnomAD compares: African/African-American, 0.22%; no homozygotes.

Submissions (4):

Labcorp Genetics (formerly Invitae), Labcorp
Classification: Benign. Last evaluated: 2025-02-09. Review status: criteria provided, single submitter. Criteria: Invitae Variant Classification Sherloc (09022015). Collection method: clinical testing. Allele origin: germline.

Blueprint Genetics
Classification: Likely benign. Last evaluated: 2023-12-20. Review status: criteria provided, single submitter. Criteria: ACMG Guidelines, 2015. Collection method: clinical testing. Allele origin: germline.

GeneDx
Classification: Likely benign. Last evaluated: 2020-11-18. Review status: criteria provided, single submitter. Criteria: GeneDx Variant Classification Process June 2021. Collection method: clinical testing. Allele origin: germline. Affected: yes.

PreventionGenetics, part of Exact Sciences
Classification: Likely benign for OTOG-related condition. Last evaluated: 2024-05-01. Review status: no assertion criteria provided. Collection method: clinical testing. Allele origin: germline. Not counted in ClinVar's aggregate classification.
Comment: This variant is classified as likely benign based on ACMG/AMP sequence variant interpretation guidelines (Richards et al. 2015 PMID: 25741868, with internal and published modifications).